The following is an entry in ClinVar:

ClinVar aggregate classification (germline): Likely benign (1 of 4 stars; one submission).

Conditions:
CCND1-related disorder. Also called: CCND1-related condition.

gnomAD v4.1: 77 of 1,609,802 alleles (0.0048%); highest among the groups gnomAD compares: African/African-American, 0.095%; no homozygotes.

Submission:

PreventionGenetics, part of Exact Sciences
Classification: Likely benign for CCND1-related condition. Last evaluated: 2024-10-17. Review status: criteria provided, single submitter. Criteria: ACMG Guidelines, 2015. Collection method: clinical testing. Allele origin: germline.
Comment: This variant is classified as likely benign based on ACMG/AMP sequence variant interpretation guidelines (Richards et al. 2015 PMID: 25741868, with internal and published modifications).

NM_053056.3(CCND1):c.315T>G (p.Thr105=)

Gene: CCND1 (cyclin D1; plus strand). Cytogenetic location: 11q13.3.
Variant type: single nucleotide variant.
Coding change: c.315T>G on transcript NM_053056.3 (MANE Select); coding-DNA position 315, T replaced by G.
Protein change: p.Thr105=; no amino-acid change (threonine 105 retained).
Molecular consequence: synonymous variant.
Genome position (GRCh38, 1-based): chr11:69,643,147, T>G. VCF-style: chr11-69643147-T-G. GRCh37 (hg19) VCF-style: chr11-69457915-T-G.
Identifiers: ClinVar variation 4979629 (VCV004979629.1).